The following is an entry in ClinVar:

ClinVar aggregate classification (germline): Conflicting classifications of pathogenicity. Review status: criteria provided, conflicting classifications (1 of 4 stars). 8 submissions from 8 submitters: Uncertain significance (4); Likely benign (2). 2 of the submissions do not count toward it. Last evaluated 2026-01-26.

Conditions:
ABCA4-related retinopathy. Also called: ABCA4-related retinoapthy; ABCA4 retinoapthy. Identifiers: MedGen CN322612, MONDO:0800406.
ABCA4-related disorder. Also called: ABCA4-related disorders; ABCA4-related condition. Identifiers: MedGen CN239167.

Allele frequency attached by ClinVar (database versions not stated): TOPMed 0.00059; 1000 Genomes Project 30x 0.00078; 1000 Genomes Project 0.00100.
gnomAD v4.1: 279 of 1,614,056 alleles (0.017%); highest among the groups gnomAD compares: African/African-American, 0.13%; 1 homozygote.

Submissions (8):

Labcorp Genetics (formerly Invitae), Labcorp
Classification: Likely benign. Last evaluated: 2026-01-26. Review status: criteria provided, single submitter. Criteria: Invitae Variant Classification Sherloc (09022015). Collection method: clinical testing. Allele origin: germline.

PreventionGenetics, part of Exact Sciences
Classification: Likely benign for ABCA4-related condition. Last evaluated: 2025-04-15. Review status: criteria provided, single submitter. Criteria: ACMG Guidelines, 2015. Collection method: clinical testing. Allele origin: germline.
Comment: This variant is classified as likely benign based on ACMG/AMP sequence variant interpretation guidelines (Richards et al. 2015 PMID: 25741868, with internal and published modifications).

Blueprint Genetics
Classification: Uncertain significance. Last evaluated: 2024-09-20. Review status: criteria provided, single submitter. Criteria: ACMG Guidelines, 2015. Collection method: clinical testing. Allele origin: germline.

GeneDx
Classification: Uncertain significance. Last evaluated: 2023-07-20. Review status: criteria provided, single submitter. Criteria: GeneDx Variant Classification Process June 2021. Collection method: clinical testing. Allele origin: germline. Affected: yes.
Comment: In silico analysis, which includes protein predictors and evolutionary conservation, supports that this variant does not alter protein structure/function; Has not been previously published as pathogenic or benign to our knowledge

Department of Pathology and Laboratory Medicine, Sinai Health System
Classification: Uncertain significance for ABCA4-related retinopathy. Last evaluated: 2023-04-05. Review status: criteria provided, single submitter. Criteria: ACMG Guidelines, 2015. Collection method: research. Allele origin: germline.

Illumina Laboratory Services, Illumina
Classification: Uncertain significance for ABCA4-Related Disorders. Last evaluated: 2017-04-27. Review status: criteria provided, single submitter. Criteria: ICSL Variant Classification Criteria 13 December 2019. Collection method: clinical testing. Allele origin: germline.

Clinical Genetics DNA and cytogenetics Diagnostics Lab, Erasmus MC, Erasmus Medical Center
Classification: Uncertain significance. Review status: no assertion criteria provided. Collection method: clinical testing. Allele origin: germline. Affected: yes. Study: VKGL Data-share Consensus. Not counted in ClinVar's aggregate classification.

Joint Genome Diagnostic Labs from Nijmegen and Maastricht, Radboudumc and MUMC+
Classification: Uncertain significance. Review status: no assertion criteria provided. Collection method: clinical testing. Allele origin: germline. Affected: yes. Study: VKGL Data-share Consensus. Not counted in ClinVar's aggregate classification.

NM_000350.3(ABCA4):c.677G>A (p.Arg226His)

Gene: ABCA4 (ATP binding cassette subfamily A member 4; minus strand). Cytogenetic location: 1p22.1.
Variant type: single nucleotide variant.
Coding change: c.677G>A on transcript NM_000350.3 (MANE Select); coding-DNA position 677, G replaced by A.
Protein change: p.Arg226His; replaces arginine 226 with histidine.
Molecular consequence: missense variant.
Genome position (GRCh38, 1-based): chr1:94,098,885, C>T on the plus strand (G>A on the coding strand, the complement: ABCA4 is on the minus strand). VCF-style: chr1-94098885-C-T. GRCh37 (hg19) VCF-style: chr1-94564441-C-T.
Other names: c.677G>A, p.Arg226His (NM_001425324.1); short protein forms R226H.
Identifiers: ClinVar variation 727524 (VCV000727524.26), dbSNP rs144310835, ClinGen allele CA958767.